The following is an entry in ClinVar:

NM_002291.3(LAMB1):c.1562+230A>G

Gene: LAMB1 (laminin subunit beta 1; minus strand). Cytogenetic location: 7q31.1.
Variant type: single nucleotide variant.
Coding change: c.1562+230A>G on transcript NM_002291.3 (MANE Select); 230 bases into the intron after coding-DNA position 1562, A replaced by G.
Molecular consequence: intron variant.
Genome position (GRCh38, 1-based): chr7:107,972,762, T>C on the plus strand (A>G on the coding strand, the complement: LAMB1 is on the minus strand). VCF-style: chr7-107972762-T-C. GRCh37 (hg19) VCF-style: chr7-107613207-T-C.
Identifiers: ClinVar variation 682969 (VCV000682969.1), dbSNP rs41281051, ClinGen allele CA15492085.

ClinVar aggregate classification (germline): Benign (1 of 4 stars; one submission).

Allele frequency attached by ClinVar (database versions not stated): TOPMed 0.42407; gnomAD 0.43585 and 0.44122; 1000 Genomes Project 30x 0.45347; 1000 Genomes Project 0.46426.
gnomAD v4.1: 67,043 of 152,032 alleles (44%); highest among the groups gnomAD compares: East Asian, 69%; 15,198 homozygotes.

Submission:

GeneDx
Classification: Benign. Last evaluated: 2018-06-14. Review status: criteria provided, single submitter. Criteria: GeneDx Variant Classification (06012015). Collection method: clinical testing. Allele origin: germline. Affected: yes.
Comment: This variant is considered likely benign or benign based on one or more of the following criteria: it is a conservative change, it occurs at a poorly conserved position in the protein, it is predicted to be benign by multiple in silico algorithms, and/or has population frequency not consistent with disease.